The following is an entry in ClinVar:

NM_000360.4(TH):c.284C>G (p.Ala95Gly)

Gene: TH (tyrosine hydroxylase; minus strand). Cytogenetic location: 11p15.5.
Variant type: single nucleotide variant.
Coding change: c.284C>G on transcript NM_000360.4 (MANE Select); coding-DNA position 284, C replaced by G.
Protein change: p.Ala95Gly; replaces alanine 95 with glycine.
Molecular consequence: missense variant.
Genome position (GRCh38, 1-based): chr11:2,169,678, G>C on the plus strand (C>G on the coding strand, the complement: TH is on the minus strand). VCF-style: chr11-2169678-G-C. GRCh37 (hg19) VCF-style: chr11-2190908-G-C.
Other names: p.Ala126Gly; c.377C>G, p.Ala126Gly (NM_199292.3); c.365C>G, p.Ala122Gly (NM_199293.3); short protein forms A122G, A95G, A126G.
Identifiers: ClinVar variation 665511 (VCV000665511.7), dbSNP rs769126179, ClinGen allele CA5818738.

ClinVar aggregate classification (germline): Uncertain significance. Review status: criteria provided, multiple submitters, no conflicts (2 of 4 stars). 3 submissions from 3 submitters: Uncertain significance (2). 1 of the submissions does not count toward it. Last evaluated 2023-06-16.

Conditions:
TH-deficient dopa-responsive dystonia. Also called: Tyrosine Hydroxylase-Deficient Dopa-Responsive Dystonia; DYT-TH; Segawa syndrome, autosomal recessive. Identifiers: Orphanet 101150, MedGen C2673535, MONDO:0011551, OMIM 605407.

Allele frequency attached by ClinVar (database versions not stated): TOPMed 0.00003.

Submissions (3):

Mayo Clinic Laboratories, Mayo Clinic
Classification: Uncertain significance. Last evaluated: 2023-06-16. Review status: criteria provided, single submitter. Criteria: ACMG Guidelines, 2015. Collection method: clinical testing. Allele origin: germline. Observed: 1 variant allele.
Comment: PM2

Labcorp Genetics (formerly Invitae), Labcorp
Classification: Uncertain significance for TH-deficient dopa-responsive dystonia. Last evaluated: 2022-02-03. Review status: criteria provided, single submitter. Criteria: Invitae Variant Classification Sherloc (09022015). Collection method: clinical testing. Allele origin: germline.
Comment: This sequence change replaces alanine, which is neutral and non-polar, with glycine, which is neutral and non-polar, at codon 126 of the TH protein (p.Ala126Gly). This variant is present in population databases (rs769126179, gnomAD 0.007%). This variant has not been reported in the literature in individuals affected with TH-related conditions. ClinVar contains an entry for this variant (Variation ID: 665511). Advanced modeling of protein sequence and biophysical properties (such as structural, functional, and spatial information, amino acid conservation, physicochemical variation, residue mobility, and thermodynamic stability) performed at Invitae indicates that this missense variant is not expected to disrupt TH protein function. In summary, the available evidence is currently insufficient to determine the role of this variant in disease. Therefore, it has been classified as a Variant of Uncertain Significance.

Natera, Inc.
Classification: Uncertain significance for Autosomal recessive Segawa syndrome. Last evaluated: 2021-04-14. Review status: no assertion criteria provided. Collection method: clinical testing. Allele origin: germline. Not counted in ClinVar's aggregate classification.